The following is an entry in ClinVar:

NM_015629.4(PRPF31):c.1080_1094del (p.Lys361_Arg365del)

Gene: PRPF31 (pre-mRNA processing factor 31; plus strand). Cytogenetic location: 19q13.42.
Variant type: Deletion.
Coding change: c.1080_1094del on transcript NM_015629.4 (MANE Select); coding-DNA positions 1080 to 1094, 15 bases deleted (CAAGATGAAGGAGCG).
Protein change: p.Lys361_Arg365del.
Molecular consequence: inframe deletion.
Genome position (GRCh38, 1-based): chr19:54,128,311-54,128,325, CAAGATGAAGGAGCG deleted; deleting any 15 consecutive bases within chr19:54,128,309-54,128,325 gives the same sequence; the c. name uses the placement nearest the transcript's 3' end. VCF-style (leftmost placement, unchanged base first): chr19-54128308-CCGCAAGATGAAGGAG-C. GRCh37 (hg19) VCF-style: chr19-54631683-CCGCAAGATGAAGGAG-C.
Identifiers: ClinVar variation 3602890 (VCV003602890.1).

ClinVar aggregate classification (germline): Uncertain significance (1 of 4 stars; one submission).

Submission:

GeneDx
Classification: Uncertain significance. Last evaluated: 2024-08-08. Review status: criteria provided, single submitter. Criteria: GeneDx Variant Classification Process June 2021. Collection method: clinical testing. Allele origin: germline. Affected: yes.
Comment: Not observed at significant frequency in large population cohorts (gnomAD); In-frame deletion of 5 amino acids in a non-repeat region; In silico analysis indicates that this variant does not alter protein structure/function; Has not been previously published as pathogenic or benign to our knowledge